The following is an entry in ClinVar:

ClinVar aggregate classification (germline): Uncertain significance (1 of 4 stars; one submission).

Conditions:
Inborn genetic diseases. Identifiers: MedGen C0950123, MeSH D030342.

Submission:

Ambry Genetics
Classification: Uncertain significance for Inborn genetic diseases. Last evaluated: 2021-08-11. Review status: criteria provided, single submitter. Criteria: Ambry Variant Classification Scheme 2023. Collection method: clinical testing. Allele origin: germline.
Comment: The p.T1939P variant (also known as c.5815A>C), located in coding exon 34 of the ATR gene, results from an A to C substitution at nucleotide position 5815. The threonine at codon 1939 is replaced by proline, an amino acid with highly similar properties. This amino acid position is conserved. In addition, this alteration is predicted to be deleterious by in silico analysis. Since supporting evidence is limited at this time, the clinical significance of this alteration remains unclear.

NM_001184.4(ATR):c.5815A>C (p.Thr1939Pro)

Gene: ATR (ATR checkpoint kinase; minus strand). Cytogenetic location: 3q23.
Variant type: single nucleotide variant.
Coding change: c.5815A>C on transcript NM_001184.4 (MANE Select); coding-DNA position 5815, A replaced by C.
Protein change: p.Thr1939Pro; replaces threonine 1939 with proline.
Molecular consequence: missense variant.
Genome position (GRCh38, 1-based): chr3:142,496,444, T>G on the plus strand (A>C on the coding strand, the complement: ATR is on the minus strand). VCF-style: chr3-142496444-T-G. GRCh37 (hg19) VCF-style: chr3-142215286-T-G.
Other names: c.5623A>C, p.Thr1875Pro (NM_001354579.2); short protein forms T1875P, T1939P.
Identifiers: ClinVar variation 1749861 (VCV001749861.2), dbSNP rs776703074, ClinGen allele CA354813569.